The following is an entry in ClinVar:

NM_000381.4(MID1):c.1793C>T (p.Ala598Val)

Genes: MID1 (midline 1; minus strand), LOC126863207 (BRD4-independent group 4 enhancer GRCh37_chrX:10416979-10418178; plus strand). Cytogenetic location: Xp22.2.
Variant type: single nucleotide variant.
Coding change: c.1793C>T on transcript NM_000381.4 (MANE Select); coding-DNA position 1793, C replaced by T.
Protein change: p.Ala598Val; replaces alanine 598 with valine.
Molecular consequence: missense variant.
Genome position (GRCh38, 1-based): chrX:10,449,579, G>A on the plus strand (C>T on the coding strand, the complement: MID1 is on the minus strand). VCF-style: chrX-10449579-G-A. GRCh37 (hg19) VCF-style: chrX-10417619-G-A.
Other names: c.1793C>T (NM_000381.3); c.1793C>T, p.Ala598Val (NM_001098624.2, NM_001193277.1, NM_001347733.2 and 1 more transcripts); c.1679C>T, p.Ala560Val (NM_033289.2); short protein forms A598V, A560V.
Identifiers: ClinVar variation 2203547 (VCV002203547.7), dbSNP rs369262421, ClinGen allele CA10347407.

ClinVar aggregate classification (germline): Benign/Likely benign. Review status: criteria provided, multiple submitters, no conflicts (2 of 4 stars). 3 submissions from 3 submitters: Benign (1); Likely benign (1). 1 of the submissions does not count toward it. Last evaluated 2025-12-31.

Conditions:
Inborn genetic diseases. Identifiers: MedGen C0950123, MeSH D030342.
MID1-related disorder. Also called: MID1-related condition.

Allele frequency attached by ClinVar (database versions not stated): ESP Exome Variant Server 0.00019.
gnomAD v4.1: 42 of 1,210,053 alleles (0.0035%); highest among the groups gnomAD compares: African/African-American, 0.051%; no homozygotes.

Submissions (3):

Labcorp Genetics (formerly Invitae), Labcorp
Classification: Benign. Last evaluated: 2025-12-31. Review status: criteria provided, single submitter. Criteria: Invitae Variant Classification Sherloc (09022015). Collection method: clinical testing. Allele origin: germline.

Ambry Genetics
Classification: Likely benign for Inborn genetic diseases. Last evaluated: 2022-07-07. Review status: criteria provided, single submitter. Criteria: Ambry Variant Classification Scheme 2023. Collection method: clinical testing. Allele origin: germline.

PreventionGenetics, part of Exact Sciences
Classification: Likely benign for MID1-related condition. Last evaluated: 2024-02-21. Review status: no assertion criteria provided. Collection method: clinical testing. Allele origin: germline. Not counted in ClinVar's aggregate classification.
Comment: This variant is classified as likely benign based on ACMG/AMP sequence variant interpretation guidelines (Richards et al. 2015 PMID: 25741868, with internal and published modifications).